The following is an entry in ClinVar:

ClinVar aggregate classification (germline): Uncertain significance. Review status: criteria provided, multiple submitters, no conflicts (2 of 4 stars). 3 submissions from 3 submitters: Uncertain significance (3). Last evaluated 2022-08-20.

Conditions:
Inborn genetic diseases. Identifiers: MedGen C0950123, MeSH D030342.
ALG11-congenital disorder of glycosylation. Also called: CONGENITAL DISORDER OF GLYCOSYLATION, TYPE Ip; ALG11-CDG. Identifiers: Orphanet 280071, MedGen C3150913, MONDO:0013349, OMIM 613661.

Allele frequency attached by ClinVar (database versions not stated): TOPMed 0.00007; gnomAD 0.00011 and 0.00012; gnomAD exomes 0.00011 and 0.00023; ExAC 0.00017; 1000 Genomes Project 0.00020.
gnomAD v4.1: 174 of 1,614,194 alleles (0.011%); highest among the groups gnomAD compares: Non-Finnish European, 0.0078%; no homozygotes.

Submissions (3):

Labcorp Genetics (formerly Invitae), Labcorp
Classification: Uncertain significance for ALG11-congenital disorder of glycosylation. Last evaluated: 2022-08-20. Review status: criteria provided, single submitter. Criteria: Invitae Variant Classification Sherloc (09022015). Collection method: clinical testing. Allele origin: germline.
Comment: This sequence change replaces glycine, which is neutral and non-polar, with serine, which is neutral and polar, at codon 4 of the ALG11 protein (p.Gly4Ser). This variant is present in population databases (rs201560109, gnomAD 0.2%). This variant has not been reported in the literature in individuals affected with ALG11-related conditions. ClinVar contains an entry for this variant (Variation ID: 883888). Algorithms developed to predict the effect of missense changes on protein structure and function output the following: SIFT: "Tolerated"; PolyPhen-2: "Benign"; Align-GVGD: "Class C0". The serine amino acid residue is found in multiple mammalian species, which suggests that this missense change does not adversely affect protein function. In summary, the available evidence is currently insufficient to determine the role of this variant in disease. Therefore, it has been classified as a Variant of Uncertain Significance.

Ambry Genetics
Classification: Uncertain significance for Inborn genetic diseases. Last evaluated: 2021-01-20. Review status: criteria provided, single submitter. Criteria: Ambry Variant Classification Scheme 2023. Collection method: clinical testing. Allele origin: germline.
Comment: The c.10G>A (p.G4S) alteration is located in exon 1 (coding exon 1) of the ALG11 gene. This alteration results from a G to A substitution at nucleotide position 10, causing the glycine (G) at amino acid position 4 to be replaced by a serine (S). The p.G4S alteration is predicted to be tolerated by in silico analysis. Based on insufficient or conflicting evidence, the clinical significance of this alteration remains unclear.

Illumina Laboratory Services, Illumina
Classification: Uncertain significance for ALG11-congenital disorder of glycosylation. Last evaluated: 2018-01-13. Review status: criteria provided, single submitter. Criteria: ICSL Variant Classification Criteria 13 December 2019. Collection method: clinical testing. Allele origin: germline.

NM_001004127.3(ALG11):c.10G>A (p.Gly4Ser)

Genes: ALG11 (ALG11 alpha-1,2-mannosyltransferase; plus strand), LOC130009841 (ATAC-STARR-seq lymphoblastoid active region 7785; plus strand). Cytogenetic location: 13q14.3.
Variant type: single nucleotide variant.
Coding change: c.10G>A on transcript NM_001004127.3 (MANE Select); coding-DNA position 10, G replaced by A.
Protein change: p.Gly4Ser; replaces glycine 4 with serine.
Molecular consequence: missense variant. On other transcripts: non-coding transcript variant (1).
Genome position (GRCh38, 1-based): chr13:52,012,428, G>A. VCF-style: chr13-52012428-G-A. GRCh37 (hg19) VCF-style: chr13-52586564-G-A.
Other names: short protein forms G4S.
Identifiers: ClinVar variation 883888 (VCV000883888.7), dbSNP rs201560109, ClinGen allele CA6989767.